The following is an entry in ClinVar:

ClinVar aggregate classification (germline): Uncertain significance (1 of 4 stars; one submission).

Submission:

Ambry Genetics
Classification: Uncertain significance. Last evaluated: 2024-12-15. Review status: criteria provided, single submitter. Criteria: Ambry Variant Classification Scheme 2023. Collection method: clinical testing. Allele origin: germline.
Comment: The p.V170I variant (also known as c.508G>A), located in coding exon 5 of the RECQL gene, results from a G to A substitution at nucleotide position 508. The valine at codon 170 is replaced by isoleucine, an amino acid with highly similar properties. This amino acid position is conserved. In addition, this alteration is predicted to be tolerated by in silico analysis. Since supporting evidence is limited at this time, the clinical significance of this alteration remains unclear.

NM_002907.4(RECQL):c.508G>A (p.Val170Ile)

Gene: RECQL (RecQ like helicase; minus strand). Cytogenetic location: 12p12.1.
Variant type: single nucleotide variant.
Coding change: c.508G>A on transcript NM_002907.4 (MANE Select); coding-DNA position 508, G replaced by A.
Protein change: p.Val170Ile; replaces valine 170 with isoleucine.
Molecular consequence: missense variant.
Genome position (GRCh38, 1-based): chr12:21,483,568, C>T on the plus strand (G>A on the coding strand, the complement: RECQL is on the minus strand). VCF-style: chr12-21483568-C-T. GRCh37 (hg19) VCF-style: chr12-21636502-C-T.
Other names: c.508G>A, p.Val170Ile (NM_032941.3); short protein forms V170I.
Identifiers: ClinVar variation 1745264 (VCV001745264.3), dbSNP rs2540376185, ClinGen allele CA384128170.